The following is an entry in ClinVar:

ClinVar aggregate classification (germline): Uncertain significance. Review status: criteria provided, multiple submitters, no conflicts (2 of 4 stars). 2 submissions from 2 submitters: Uncertain significance (2). Last evaluated 2025-02-13.

Conditions:
Epidermolysis bullosa simplex 5B, with muscular dystrophy (EBS5B). Also called: Epidermolysis bullosa simplex with muscular dystrophy; EPIDERMOLYSIS BULLOSA SIMPLEX AND LIMB-GIRDLE MUSCULAR DYSTROPHY. Identifiers: Orphanet 257, MedGen C2931072, MONDO:0009181, OMIM 226670.
Epidermolysis bullosa simplex, Ogna type (EBS5A). Also called: Pidermolysis bullosa simplex 5A, Ogna type; EPIDERMOLYSIS BULLOSA SIMPLEX 5A, OGNA TYPE. Identifiers: Orphanet 79401, MedGen C0432317, MONDO:0007555, OMIM 131950.
Epidermolysis bullosa simplex with nail dystrophy (EBS5D). Identifiers: MedGen C4225309, MONDO:0014661, OMIM 616487.
Autosomal recessive limb-girdle muscular dystrophy type 2Q (LGMDR17). Also called: MUSCULAR DYSTROPHY, LIMB-GIRDLE, AUTOSOMAL RECESSIVE 17. Identifiers: Orphanet 254361, MedGen C3150989, MONDO:0013390, OMIM 613723.
Epidermolysis bullosa simplex 5C, with pyloric atresia (EBS5C). Also called: PLEC-Related Epidermolysis Bullosa with Pyloric Atresia; Epidermolysis bullosa simplex with pyloric atresia; PLEC1-Related Epidermolysis Bullosa with Pyloric Atresia. Identifiers: Orphanet 158684, MedGen C2677349, MONDO:0012807, OMIM 612138.

Allele frequency attached by ClinVar (database versions not stated): gnomAD exomes 0.00001; ExAC 0.00002; gnomAD 0.00003 and 0.00005; TOPMed 0.00003.
gnomAD v4.1: 21 of 1,608,428 alleles (0.0013%); highest among the groups gnomAD compares: African/African-American, 0.0053%; no homozygotes.

Submissions (2):

Labcorp Genetics (formerly Invitae), Labcorp
Classification: Uncertain significance for Autosomal recessive limb-girdle muscular dystrophy type 2Q; Epidermolysis bullosa simplex, Ogna type; Epidermolysis bullosa simplex with nail dystrophy; Epidermolysis bullosa simplex 5C, with pyloric atresia; Epidermolysis bullosa simplex 5B, with muscular dystrophy. Last evaluated: 2025-02-13. Review status: criteria provided, single submitter. Criteria: Invitae Variant Classification Sherloc (09022015). Collection method: clinical testing. Allele origin: germline.
Comment: This sequence change replaces aspartic acid, which is acidic and polar, with asparagine, which is neutral and polar, at codon 3391 of the PLEC protein (p.Asp3391Asn). This variant is present in population databases (rs781975742, gnomAD 0.01%). This variant has not been reported in the literature in individuals affected with PLEC-related conditions. ClinVar contains an entry for this variant (Variation ID: 595923). An algorithm developed to predict the effect of missense changes on protein structure and function (PolyPhen-2) suggests that this variant is likely to be disruptive. In summary, the available evidence is currently insufficient to determine the role of this variant in disease. Therefore, it has been classified as a Variant of Uncertain Significance.

Eurofins Ntd Llc (ga)
Classification: Uncertain significance. Last evaluated: 2018-02-06. Review status: criteria provided, single submitter. Criteria: EGL Classification Definitions 2015. Collection method: clinical testing. Allele origin: germline. Observed: 1 variant allele, 1 heterozygote.

NM_201384.3(PLEC):c.10090G>A (p.Asp3364Asn)

Gene: PLEC (plectin; minus strand). Cytogenetic location: 8q24.3.
Variant type: single nucleotide variant.
Coding change: c.10090G>A on transcript NM_201384.3 (MANE Select); coding-DNA position 10090, G replaced by A.
Protein change: p.Asp3364Asn; replaces aspartic acid 3364 with asparagine.
Molecular consequence: missense variant.
Genome position (GRCh38, 1-based): chr8:143,919,731, C>T on the plus strand (G>A on the coding strand, the complement: PLEC is on the minus strand). VCF-style: chr8-143919731-C-T. GRCh37 (hg19) VCF-style: chr8-144993899-C-T.
Other names: c.10171G>A, p.Asp3391Asn (NM_000445.5); c.10048G>A, p.Asp3350Asn (NM_201378.4); c.10024G>A, p.Asp3342Asn (NM_201379.3); c.10501G>A, p.Asp3501Asn (NM_201380.4); c.9994G>A, p.Asp3332Asn (NM_201381.3); c.10090G>A, p.Asp3364Asn (NM_201382.4); c.10102G>A, p.Asp3368Asn (NM_201383.3); short protein forms D3350N, D3501N, D3364N, D3368N, D3391N, D3342N, D3332N.
Identifiers: ClinVar variation 595923 (VCV000595923.8), dbSNP rs781975742, ClinGen allele CA4924757.
Genomic context (GRCh38, chr8:143,919,731, plus strand): 5'-TTGTGGCTCTCAGCAGGCCCCGGCGCATGGCCTCGTAGATGGACACCTTCTCCTTGGTGT[C>T]CTCCAGGTAGATGCCGGCGAGGCAGCCACTGCCCTGCAGCAGCGTCCGCACGGAGCCCAG-3'
Protein context (NP_958786.1, residues 3354-3374): SGCLAGIYLE[Asp3364Asn]TKEKVSIYEA